The following is an entry in ClinVar:

NM_022437.3(ABCG8):c.1156C>T (p.Leu386Phe)

Gene: ABCG8 (ATP binding cassette subfamily G member 8; plus strand). Cytogenetic location: 2p21.
Variant type: single nucleotide variant.
Coding change: c.1156C>T on transcript NM_022437.3 (MANE Select); coding-DNA position 1156, C replaced by T.
Protein change: p.Leu386Phe; replaces leucine 386 with phenylalanine.
Molecular consequence: missense variant.
Genome position (GRCh38, 1-based): chr2:43,872,251, C>T. VCF-style: chr2-43872251-C-T. GRCh37 (hg19) VCF-style: chr2-44099390-C-T.
Other names: c.1153C>T, p.Leu385Phe (NM_001357321.2); short protein forms L386F, L385F.
Identifiers: ClinVar variation 4696461 (VCV004696461.1).

ClinVar aggregate classification (germline): Uncertain significance (1 of 4 stars; one submission).

Submission:

Labcorp Genetics (formerly Invitae), Labcorp
Classification: Uncertain significance. Last evaluated: 2026-01-02. Review status: criteria provided, single submitter. Criteria: Invitae Variant Classification Sherloc (09022015). Collection method: clinical testing. Allele origin: germline.
Comment: This sequence change replaces leucine, which is neutral and non-polar, with phenylalanine, which is neutral and non-polar, at codon 386 of the ABCG8 protein (p.Leu386Phe). This variant is not present in population databases (gnomAD no frequency). This variant has not been reported in the literature in individuals affected with ABCG8-related conditions. Invitae Evidence Modeling of protein sequence and biophysical properties (such as structural, functional, and spatial information, amino acid conservation, physicochemical variation, residue mobility, and thermodynamic stability) indicates that this missense variant is not expected to disrupt ABCG8 protein function with a negative predictive value of 80%. In summary, the available evidence is currently insufficient to determine the role of this variant in disease. Therefore, it has been classified as a Variant of Uncertain Significance.